The following is an entry in ClinVar:

ClinVar aggregate classification (germline): Benign/Likely benign. Review status: criteria provided, multiple submitters, no conflicts (2 of 4 stars). 5 submissions from 5 submitters: Benign (1); Likely benign (3). 1 of the submissions does not count toward it. Last evaluated 2026-08-01.

Conditions:
CETP-related disorder. Also called: CETP-related condition.

Allele frequency attached by ClinVar (database versions not stated): gnomAD exomes 0.00032 and 0.00080; ExAC 0.00096; 1000 Genomes Project 30x 0.00297; 1000 Genomes Project 0.00319; gnomAD 0.00328 and 0.00359; ESP Exome Variant Server 0.00369; TOPMed 0.00392.
gnomAD v4.1: 990 of 1,614,158 alleles (0.061%); highest among the groups gnomAD compares: African/African-American, 1.2%; 6 homozygotes.

Submissions (5):

CeGaT Center for Human Genetics Tuebingen
Classification: Likely benign. Last evaluated: 2026-08-01. Review status: criteria provided, single submitter. Criteria: CeGaT Center For Human Genetics Tuebingen Variant Classification Criteria Version 2. Collection method: clinical testing. Allele origin: germline. Affected: yes. Observed: 1 variant allele.
Comment: CETP: BP4, BP7, BS1

Labcorp Genetics (formerly Invitae), Labcorp
Classification: Benign. Last evaluated: 2026-01-11. Review status: criteria provided, single submitter. Criteria: Invitae Variant Classification Sherloc (09022015). Collection method: clinical testing. Allele origin: germline.

Mayo Clinic Laboratories, Mayo Clinic
Classification: Likely benign. Last evaluated: 2025-10-06. Review status: criteria provided, single submitter. Criteria: ACMG Guidelines, 2015. Collection method: clinical testing. Allele origin: germline. Observed: 2 variant alleles.
Comment: BS1, BP4, BP7

Blueprint Genetics
Classification: Likely benign. Last evaluated: 2024-09-23. Review status: criteria provided, single submitter. Criteria: ACMG Guidelines, 2015. Collection method: clinical testing. Allele origin: germline.

PreventionGenetics, part of Exact Sciences
Classification: Benign for CETP-related condition. Last evaluated: 2019-05-27. Review status: no assertion criteria provided. Collection method: clinical testing. Allele origin: germline. Not counted in ClinVar's aggregate classification.
Comment: This variant is classified as benign based on ACMG/AMP sequence variant interpretation guidelines (Richards et al. 2015 PMID: 25741868, with internal and published modifications).

NM_000078.3(CETP):c.756T>C (p.His252=)

Gene: CETP (cholesteryl ester transfer protein; plus strand). Cytogenetic location: 16q13.
Variant type: single nucleotide variant.
Coding change: c.756T>C on transcript NM_000078.3 (MANE Select); coding-DNA position 756, T replaced by C.
Protein change: p.His252=; no amino-acid change (histidine 252 retained).
Molecular consequence: synonymous variant. On other transcripts: intron variant (1).
Genome position (GRCh38, 1-based): chr16:56,973,336, T>C. VCF-style: chr16-56973336-T-C. GRCh37 (hg19) VCF-style: chr16-57007248-T-C.
Other names: p.His252=; c.750+1253T>C (NM_001286085.2).
Identifiers: ClinVar variation 785534 (VCV000785534.14), dbSNP rs35878799, ClinGen allele CA8071092.